The following is an entry in ClinVar:

NM_002047.4(GARS1):c.980G>C (p.Gly327Ala)

Gene: GARS1 (glycyl-tRNA synthetase 1; plus strand). Cytogenetic location: 7p14.3.
Variant type: single nucleotide variant.
Coding change: c.980G>C on transcript NM_002047.4 (MANE Select); coding-DNA position 980, G replaced by C.
Protein change: p.Gly327Ala; replaces glycine 327 with alanine.
Molecular consequence: missense variant.
Genome position (GRCh38, 1-based): chr7:30,612,194, G>C. VCF-style: chr7-30612194-G-C. GRCh37 (hg19) VCF-style: chr7-30651810-G-C.
Other names: c.980G>C (LRG_243t1); c.818G>C, p.Gly273Ala (NM_001316772.1); short protein forms G327A, G273A.
Identifiers: ClinVar variation 423475 (VCV000423475.11), dbSNP rs774283805, ClinGen allele CA4205861.

ClinVar aggregate classification (germline): Uncertain significance. Review status: criteria provided, multiple submitters, no conflicts (2 of 4 stars). 2 submissions from 2 submitters: Uncertain significance (2). Last evaluated 2024-01-05.

Conditions:
Charcot-Marie-Tooth disease type 2. Also called: Charcot-Marie-Tooth type 2. Identifiers: Orphanet 64746, MedGen C0270914, MONDO:0018993.

Allele frequency attached by ClinVar (database versions not stated): ExAC 0.00002; gnomAD exomes 0.00001.
gnomAD v4.1: 3 of 1,614,082 alleles (0.00019%); highest among the groups gnomAD compares: Non-Finnish European, 0.00025%; no homozygotes.

Submissions (2):

Labcorp Genetics (formerly Invitae), Labcorp
Classification: Uncertain significance for Charcot-Marie-Tooth disease type 2. Last evaluated: 2024-01-05. Review status: criteria provided, single submitter. Criteria: Invitae Variant Classification Sherloc (09022015). Collection method: clinical testing. Allele origin: germline.
Comment: This sequence change replaces glycine, which is neutral and non-polar, with alanine, which is neutral and non-polar, at codon 327 of the GARS protein (p.Gly327Ala). This variant is present in population databases (rs774283805, gnomAD 0.003%). This variant has not been reported in the literature in individuals affected with GARS-related conditions. ClinVar contains an entry for this variant (Variation ID: 423475). Advanced modeling of protein sequence and biophysical properties (such as structural, functional, and spatial information, amino acid conservation, physicochemical variation, residue mobility, and thermodynamic stability) has been performed at Invitae for this missense variant, however the output from this modeling did not meet the statistical confidence thresholds required to predict the impact of this variant on GARS protein function. This variant disrupts the p.Gly327 amino acid residue in GARS. Other variant(s) that disrupt this residue have been determined to be pathogenic (PMID: 26392352, 31628756, 31985473). This suggests that this residue is clinically significant, and that variants that disrupt this residue are likely to be disease-causing. In summary, the available evidence is currently insufficient to determine the role of this variant in disease. Therefore, it has been classified as a Variant of Uncertain Significance.

GeneDx
Classification: Uncertain significance. Last evaluated: 2023-07-12. Review status: criteria provided, single submitter. Criteria: GeneDx Variant Classification Process June 2021. Collection method: clinical testing. Allele origin: germline. Affected: yes.
Comment: Not observed at significant frequency in large population cohorts (gnomAD); In silico analysis supports that this missense variant has a deleterious effect on protein structure/function; Has not been previously published as pathogenic or benign to our knowledge; This variant is associated with the following publications: (PMID: 25168514, 26138142, 26503042)

Literature cited by the submitters: PubMed 26392352 (cited by Labcorp Genetics (formerly Invitae), Labcorp); PubMed 31628756 (cited by Labcorp Genetics (formerly Invitae), Labcorp); PubMed 31985473 (cited by Labcorp Genetics (formerly Invitae), Labcorp).